The following is an entry in ClinVar:

NM_147686.4(TRAF3IP2):c.1058G>C (p.Gly353Ala)

Genes: TRAF3IP2 (TRAF3 interacting protein 2; minus strand), TRAF3IP2-AS1 (TRAF3IP2 antisense RNA 1; plus strand). Cytogenetic location: 6q21.
Variant type: single nucleotide variant.
Coding change: c.1058G>C on transcript NM_147686.4 (MANE Select); coding-DNA position 1058, G replaced by C.
Protein change: p.Gly353Ala; replaces glycine 353 with alanine.
Molecular consequence: missense variant.
Genome position (GRCh38, 1-based): chr6:111,575,786, C>G on the plus strand (G>C on the coding strand, the complement: TRAF3IP2 is on the minus strand). VCF-style: chr6-111575786-C-G. GRCh37 (hg19) VCF-style: chr6-111896989-C-G.
Other names: c.1058G>C, p.Gly353Ala (NM_001164281.3); c.1085G>C, p.Gly362Ala (NM_147200.3); short protein forms G353A, G362A.
Identifiers: ClinVar variation 574786 (VCV000574786.6), dbSNP rs148619849, ClinGen allele CA365362728.

ClinVar aggregate classification (germline): Uncertain significance (1 of 4 stars; one submission).

Conditions:
Candidiasis, familial, 8 (CANDF8). Identifiers: Orphanet 1334, MedGen C3714992, MONDO:0014230, OMIM 615527.

gnomAD v4.1: 1 of 1,609,504 alleles (0.000062%); highest among the groups gnomAD compares: Non-Finnish European, 0.000085%; no homozygotes.

Submission:

Labcorp Genetics (formerly Invitae), Labcorp
Classification: Uncertain significance for Candidiasis, familial, 8. Last evaluated: 2021-08-24. Review status: criteria provided, single submitter. Criteria: Invitae Variant Classification Sherloc (09022015). Collection method: clinical testing. Allele origin: germline.
Comment: This sequence change replaces glycine with alanine at codon 353 of the TRAF3IP2 protein (p.Gly353Ala). The glycine residue is weakly conserved and there is a small physicochemical difference between glycine and alanine. This variant is not present in population databases (ExAC no frequency). This missense change has been observed in individual(s) with psoriatic arthritis (PMID: 22513239). ClinVar contains an entry for this variant (Variation ID: 574786). Algorithms developed to predict the effect of missense changes on protein structure and function output the following: SIFT: "Tolerated"; PolyPhen-2: "Benign"; Align-GVGD: "Class C0". The alanine amino acid residue is found in multiple mammalian species, which suggests that this missense change does not adversely affect protein function. In summary, the available evidence is currently insufficient to determine the role of this variant in disease. Therefore, it has been classified as a Variant of Uncertain Significance.

Literature cited by the submitters: PubMed 22513239.